The following is an entry in ClinVar:

ClinVar aggregate classification (germline): Likely benign. Review status: criteria provided, single submitter (1 of 4 stars). 2 submissions from 2 submitters: Likely benign (1). 1 of the submissions does not count toward it. Last evaluated 2025-09-01.

Conditions:
AFF3-related disorder. Also called: AFF3-related condition.

Allele frequency attached by ClinVar (database versions not stated): ExAC 0.00003; ESP Exome Variant Server 0.00008; gnomAD 0.00009; TOPMed 0.00009; gnomAD exomes 0.00016.
gnomAD v4.1: 255 of 1,613,780 alleles (0.016%); highest among the groups gnomAD compares: Non-Finnish European, 0.02%; no homozygotes.

Submissions (2):

CeGaT Center for Human Genetics Tuebingen
Classification: Likely benign. Last evaluated: 2025-09-01. Review status: criteria provided, single submitter. Criteria: CeGaT Center For Human Genetics Tuebingen Variant Classification Criteria Version 2. Collection method: clinical testing. Allele origin: germline. Affected: yes. Observed: 2 variant alleles.
Comment: AFF3: BP4, BP7

PreventionGenetics, part of Exact Sciences
Classification: Likely benign for AFF3-related condition. Last evaluated: 2019-08-08. Review status: no assertion criteria provided. Collection method: clinical testing. Allele origin: germline. Not counted in ClinVar's aggregate classification.
Comment: This variant is classified as likely benign based on ACMG/AMP sequence variant interpretation guidelines (Richards et al. 2015 PMID: 25741868, with internal and published modifications).

NM_001386135.1(AFF3):c.171C>T (p.Tyr57=)

Gene: AFF3 (ALF transcription elongation factor 3; minus strand). Cytogenetic location: 2q11.2.
Variant type: single nucleotide variant.
Coding change: c.171C>T on transcript NM_001386135.1 (MANE Select); coding-DNA position 171, C replaced by T.
Protein change: p.Tyr57=; no amino-acid change (tyrosine 57 retained).
Molecular consequence: synonymous variant.
Genome position (GRCh38, 1-based): chr2:100,008,815, G>A on the plus strand (C>T on the coding strand, the complement: AFF3 is on the minus strand). VCF-style: chr2-100008815-G-A. GRCh37 (hg19) VCF-style: chr2-100625277-G-A.
Other names: c.246C>T, p.Tyr82= (NM_001025108.2); c.171C>T, p.Tyr57= (NM_002285.3).
Identifiers: ClinVar variation 3035092 (VCV003035092.19), dbSNP rs147339837, ClinGen allele CA1801577.